The following is an entry in ClinVar:

NM_001035.3(RYR2):c.1918A>G (p.Arg640Gly)

Gene: RYR2 (ryanodine receptor 2; plus strand). Cytogenetic location: 1q43.
Variant type: single nucleotide variant.
Coding change: c.1918A>G on transcript NM_001035.3 (MANE Select); coding-DNA position 1918, A replaced by G.
Protein change: p.Arg640Gly; replaces arginine 640 with glycine.
Molecular consequence: missense variant.
Genome position (GRCh38, 1-based): chr1:237,493,044, A>G. VCF-style: chr1-237493044-A-G. GRCh37 (hg19) VCF-style: chr1-237656344-A-G.
Other names: c.1918A>G, p.Arg640Gly (LRG_402t1); short protein forms R640G.
Identifiers: ClinVar variation 279589 (VCV000279589.7), dbSNP rs886041109, ClinGen allele CA10602707.

ClinVar aggregate classification (germline): Uncertain significance. Review status: criteria provided, multiple submitters, no conflicts (2 of 4 stars). 2 submissions from 2 submitters: Uncertain significance (2). Last evaluated 2025-09-20.

Conditions:
Catecholaminergic polymorphic ventricular tachycardia 1. Also called: RYR2-Related Catecholaminergic Polymorphic Ventricular Tachycardia; VENTRICULAR TACHYCARDIA, CATECHOLAMINERGIC POLYMORPHIC, 1, WITH OR WITHOUT ATRIAL DYSFUNCTION AND/OR DILATED CARDIOMYOPATHY; VENTRICULAR TACHYCARDIA, STRESS-INDUCED POLYMORPHIC 1. Identifiers: Orphanet 3286, MedGen C1631597, MONDO:0011484, OMIM 604772.

Allele frequency attached by ClinVar (database versions not stated): gnomAD exomes below 0.00001.
gnomAD v4.1: 2 of 1,613,446 alleles (0.00012%); highest among the groups gnomAD compares: South Asian, 0.0011%; no homozygotes.

Submissions (2):

Labcorp Genetics (formerly Invitae), Labcorp
Classification: Uncertain significance for Catecholaminergic polymorphic ventricular tachycardia 1. Last evaluated: 2025-09-20. Review status: criteria provided, single submitter. Criteria: Invitae Variant Classification Sherloc (09022015). Collection method: clinical testing. Allele origin: germline.
Comment: This sequence change replaces arginine, which is basic and polar, with glycine, which is neutral and non-polar, at codon 640 of the RYR2 protein (p.Arg640Gly). This variant is not present in population databases (gnomAD no frequency). This missense change has been observed in individual(s) with clinical features of autosomal dominant arrhythmogenic cardiomyopathy and/or clinical features of catecholaminergic polymorphic ventricular tachycardia (PMID: 31737537; internal data). ClinVar contains an entry for this variant (Variation ID: 279589). Invitae Evidence Modeling of protein sequence and biophysical properties (such as structural, functional, and spatial information, amino acid conservation, physicochemical variation, residue mobility, and thermodynamic stability) indicates that this missense variant is expected to disrupt RYR2 protein function with a positive predictive value of 95%. In summary, the available evidence is currently insufficient to determine the role of this variant in disease. Therefore, it has been classified as a Variant of Uncertain Significance.

MVZ Martinsried, Medicover Genetics
Classification: Uncertain significance for Catecholaminergic polymorphic ventricular tachycardia 1. Last evaluated: 2016-08-06. Review status: criteria provided, single submitter. Criteria: ACMG Guidelines, 2015. Collection method: clinical testing. Allele origin: unknown. Affected: yes.

Literature cited by the submitters: PubMed 31737537 (cited by Labcorp Genetics (formerly Invitae), Labcorp).